The following is an entry in ClinVar:

ClinVar aggregate classification (germline): Uncertain significance (1 of 4 stars; one submission).

Submission:

Ambry Genetics
Classification: Uncertain significance. Last evaluated: 2026-08-27. Review status: criteria provided, single submitter. Criteria: Ambry Variant Classification Scheme 2023. Collection method: clinical testing. Allele origin: germline.
Comment: The p.P1652T variant (also known as c.4954C>A), located in coding exon 43 of the KIF1B gene, results from a C to A substitution at nucleotide position 4954. The proline at codon 1652 is replaced by threonine, an amino acid with highly similar properties. This amino acid position is conserved. In addition, this alteration is predicted to be tolerated by in silico analysis. Based on the available evidence, the clinical significance of this variant remains unclear.

NM_001365951.3(KIF1B):c.5092C>A (p.Pro1698Thr)

Gene: KIF1B (kinesin family member 1B; plus strand). Cytogenetic location: 1p36.22.
Variant type: single nucleotide variant.
Coding change: c.5092C>A on transcript NM_001365951.3 (MANE Select); coding-DNA position 5092, C replaced by A.
Protein change: p.Pro1698Thr; replaces proline 1698 with threonine.
Molecular consequence: missense variant.
Genome position (GRCh38, 1-based): chr1:10,374,461, C>A. VCF-style: chr1-10374461-C-A. GRCh37 (hg19) VCF-style: chr1-10434519-C-A.
Other names: c.5092C>A, p.Pro1698Thr (NM_001365952.1); c.4954C>A, p.Pro1652Thr (NM_015074.3); short protein forms P1652T, P1698T.
Identifiers: ClinVar variation 5023224 (VCV005023224.1).